The following is an entry in ClinVar:

ClinVar aggregate classification (germline): Uncertain significance (1 of 4 stars; one submission).

Submission:

CeGaT Center for Human Genetics Tuebingen
Classification: Uncertain significance. Last evaluated: 2026-04-01. Review status: criteria provided, single submitter. Criteria: CeGaT Center For Human Genetics Tuebingen Variant Classification Criteria Version 2. Collection method: clinical testing. Allele origin: germline. Affected: yes. Observed: 1 variant allele.
Comment: CRPPA: PM2, PP3

NM_001101426.4(CRPPA):c.270A>G (p.Ile90Met)

Gene: CRPPA (CDP-L-ribitol pyrophosphorylase A; minus strand). Cytogenetic location: 7p21.2.
Variant type: single nucleotide variant.
Coding change: c.270A>G on transcript NM_001101426.4 (MANE Select); coding-DNA position 270, A replaced by G.
Protein change: p.Ile90Met; replaces isoleucine 90 with methionine.
Molecular consequence: missense variant. On other transcripts: non-coding transcript variant (1).
Genome position (GRCh38, 1-based): chr7:16,406,325, T>C on the plus strand (A>G on the coding strand, the complement: CRPPA is on the minus strand). VCF-style: chr7-16406325-T-C. GRCh37 (hg19) VCF-style: chr7-16445950-T-C.
Other names: c.270A>G, p.Ile90Met (NM_001101417.4, NM_001368197.1); short protein forms I90M.
Identifiers: ClinVar variation 4874281 (VCV004874281.2).
Genomic context (GRCh38, chr7:16,406,325, plus strand): 5'-CTGAATAATACTTTTCATTACTTCCATGTTCTCTCCAGTTACTGCCACAACAATGTCCTT[T>C]ATCCAACATACTCTAAAAGGAAAGTATATGTACAATTCGTAAATTAATTCTTAGACAACT-3'
Protein context (NP_001094896.1, residues 80-100): TLQALERVCW[Ile90Met]KDIVVAVTGE